The following is an entry in ClinVar:

ClinVar aggregate classification (germline): Likely benign (1 of 4 stars; one submission).

gnomAD v4.1: 464 of 1,600,668 alleles (0.029%); highest among the groups gnomAD compares: East Asian, 0.19%; 56 homozygotes.

Submission:

CeGaT Center for Human Genetics Tuebingen
Classification: Likely benign. Last evaluated: 2025-10-01. Review status: criteria provided, single submitter. Criteria: CeGaT Center For Human Genetics Tuebingen Variant Classification Criteria Version 2. Collection method: clinical testing. Allele origin: germline. Affected: yes. Observed: 1 variant allele.
Comment: PRAMEF11: BP4, BS2

NM_001146344.3(PRAMEF11):c.730A>G (p.Met244Val)

Gene: PRAMEF11 (PRAME family member 11; minus strand). Cytogenetic location: 1p36.21.
Variant type: single nucleotide variant.
Coding change: c.730A>G on transcript NM_001146344.3 (MANE Select); coding-DNA position 730, A replaced by G.
Protein change: p.Met244Val; replaces methionine 244 with valine.
Molecular consequence: missense variant.
Genome position (GRCh38, 1-based): chr1:12,827,394, T>C on the plus strand (A>G on the coding strand, the complement: PRAMEF11 is on the minus strand). VCF-style: chr1-12827394-T-C. GRCh37 (hg19) VCF-style: chr1-12887253-T-C.
Other names: short protein forms M244V.
Identifiers: ClinVar variation 4533609 (VCV004533609.6).